The following is an entry in ClinVar:

NM_153704.6(TMEM67):c.2689_2690insTA (p.Lys897fs)

Gene: TMEM67 (transmembrane protein 67; plus strand). Cytogenetic location: 8q22.1.
Variant type: Insertion.
Coding change: c.2689_2690insTA on transcript NM_153704.6 (MANE Select); coding-DNA positions 2689 to 2690, TA inserted.
Protein change: p.Lys897fs; shifts the reading frame from lysine 897.
Molecular consequence: frameshift variant. On other transcripts: non-coding transcript variant (1).
Genome position: GRCh38 VCF-style: chr8-93809811-A-AAT. GRCh37 (hg19) VCF-style: chr8-94822039-A-AAT.
Other names: c.2446_2447insTA, p.Lys816fs (NM_001142301.1); short protein forms K897fs, K816fs.
Identifiers: ClinVar variation 56779 (VCV000056779.2), dbSNP rs386834198, ClinGen allele CA144482.

ClinVar aggregate classification (germline): Likely pathogenic (0 of 4 stars; one submission).

Conditions:
Meckel syndrome, type 3 (MKS3). Also called: MECKEL-GRUBER SYNDROME, TYPE 3. Identifiers: Orphanet 564, MedGen C1846357, MONDO:0011821, OMIM 607361.

Submission:

Juha Muilu Group; Institute for Molecular Medicine Finland (FIMM)
Classification: Likely pathogenic for Meckel syndrome type 3. Review status: no assertion criteria provided. Collection method: not provided. Allele origin: unknown.
Comment: FinDis database variant: This variant was not found or characterized by our laboratory, data were collected from public sources: see reference
ClinVar note: Converted during submission from probable-pathogenic to Likely pathogenic.